The following is an entry in ClinVar:

ClinVar aggregate classification (germline): Uncertain significance (1 of 4 stars; one submission).

Conditions:
Muscle AMP deaminase deficiency (MMDD). Also called: AMPD1 DEFICIENCY; Myoadenylate deaminase deficiency, myopathy due to; Adenosine monophosphate deaminase 1 deficiency; AMP deaminase 1 deficiency; Adenosine Monophosphate Deaminase 1; ADENOSINE MONOPHOSPHATE DEAMINASE-1 DEFICIENCY, MYOPATHY DUE TO. Identifiers: Orphanet 45, MedGen C3714933, MONDO:0014220, OMIM 615511.

Submission:

Labcorp Genetics (formerly Invitae), Labcorp
Classification: Uncertain significance for Muscle AMP deaminase deficiency. Last evaluated: 2022-05-31. Review status: criteria provided, single submitter. Criteria: Invitae Variant Classification Sherloc (09022015). Collection method: clinical testing. Allele origin: germline.
Comment: This sequence change falls in intron 3 of the AMPD1 gene. It does not directly change the encoded amino acid sequence of the AMPD1 protein. This variant is not present in population databases (gnomAD no frequency). This variant has not been reported in the literature in individuals affected with AMPD1-related conditions. Algorithms developed to predict the effect of sequence changes on RNA splicing suggest that this variant may disrupt the consensus splice site. In summary, the available evidence is currently insufficient to determine the role of this variant in disease. Therefore, it has been classified as a Variant of Uncertain Significance.

NM_000036.3(AMPD1):c.216-17T>G

Gene: AMPD1 (adenosine monophosphate deaminase 1; minus strand). Cytogenetic location: 1p13.2.
Variant type: single nucleotide variant.
Coding change: c.216-17T>G on transcript NM_000036.3 (MANE Select); 17 bases into the intron before coding-DNA position 216, T replaced by G.
Molecular consequence: intron variant.
Genome position (GRCh38, 1-based): chr1:114,686,927, A>C on the plus strand (T>G on the coding strand, the complement: AMPD1 is on the minus strand). VCF-style: chr1-114686927-A-C. GRCh37 (hg19) VCF-style: chr1-115229548-A-C.
Other names: c.204-17T>G (NM_001172626.2).
Identifiers: ClinVar variation 1995571 (VCV001995571.4), dbSNP rs2526380365, ClinGen allele CA2580060831.
Genomic context (GRCh38, chr1:114,686,927, plus strand): 5'-GAATGGACAAATTAACAGTCTTCCGTCCTTGGAAACGCTTTTTTCTGGGTTCGAAATTTA[A>C]AAGTAAGAGTTAATTTTGTCTTCATCAGGCGTTTCATTGTGATAGATAGATGTTTCTCTA-3'